The following is an entry in ClinVar:

NM_014000.3(VCL):c.2443A>G (p.Lys815Glu)

Gene: VCL (vinculin; plus strand). Cytogenetic location: 10q22.2.
Variant type: single nucleotide variant.
Coding change: c.2443A>G on transcript NM_014000.3 (MANE Select); coding-DNA position 2443, A replaced by G.
Protein change: p.Lys815Glu; replaces lysine 815 with glutamic acid.
Molecular consequence: missense variant.
Genome position (GRCh38, 1-based): chr10:74,107,238, A>G. VCF-style: chr10-74107238-A-G. GRCh37 (hg19) VCF-style: chr10-75866996-A-G.
Other names: c.2443A>G, p.Lys815Glu (NM_003373.4); short protein forms K815E.
Identifiers: ClinVar variation 536710 (VCV000536710.11), dbSNP rs960017518, ClinGen allele CA209695415.

ClinVar aggregate classification (germline): Uncertain significance. Review status: criteria provided, multiple submitters, no conflicts (2 of 4 stars). 2 submissions from 2 submitters: Uncertain significance (2). Last evaluated 2025-09-08.

Conditions:
Dilated cardiomyopathy 1W (CMD1W). Identifiers: Orphanet 154, MedGen C1969639, MONDO:0012667, OMIM 611407.
Hypertrophic cardiomyopathy 15. Identifiers: MedGen C2750459, MONDO:0013200, OMIM 613255.

Allele frequency attached by ClinVar (database versions not stated): gnomAD exomes below 0.00001; gnomAD 0.00003; TOPMed 0.00004.
gnomAD v4.1: 5 of 1,614,068 alleles (0.00031%); highest among the groups gnomAD compares: African/African-American, 0.0067%; no homozygotes.

Submissions (2):

Labcorp Genetics (formerly Invitae), Labcorp
Classification: Uncertain significance for Dilated cardiomyopathy 1W. Last evaluated: 2025-09-08. Review status: criteria provided, single submitter. Criteria: Invitae Variant Classification Sherloc (09022015). Collection method: clinical testing. Allele origin: germline.
Comment: This sequence change replaces lysine, which is basic and polar, with glutamic acid, which is acidic and polar, at codon 815 of the VCL protein (p.Lys815Glu). This variant is present in population databases (no rsID available, gnomAD 0.01%). This variant has not been reported in the literature in individuals affected with VCL-related conditions. ClinVar contains an entry for this variant (Variation ID: 536710). An algorithm developed to predict the effect of missense changes on protein structure and function (PolyPhen-2) suggests that this variant is likely to be disruptive. In summary, the available evidence is currently insufficient to determine the role of this variant in disease. Therefore, it has been classified as a Variant of Uncertain Significance.

Fulgent Genetics
Classification: Uncertain significance for Dilated cardiomyopathy 1W; Hypertrophic cardiomyopathy 15. Last evaluated: 2021-09-21. Review status: criteria provided, single submitter. Criteria: ACMG Guidelines, 2015. Collection method: clinical testing. Allele origin: unknown.